The following is an entry in ClinVar:

NM_014727.3(KMT2B):c.5398G>A (p.Glu1800Lys)

Gene: KMT2B (lysine methyltransferase 2B; plus strand). Cytogenetic location: 19q13.12.
Variant type: single nucleotide variant.
Coding change: c.5398G>A on transcript NM_014727.3 (MANE Select); coding-DNA position 5398, G replaced by A.
Protein change: p.Glu1800Lys; replaces glutamic acid 1800 with lysine.
Molecular consequence: missense variant.
Genome position (GRCh38, 1-based): chr19:35,730,828, G>A. VCF-style: chr19-35730828-G-A. GRCh37 (hg19) VCF-style: chr19-36221729-G-A.
Other names: short protein forms E1800K.
Identifiers: ClinVar variation 3383798 (VCV003383798.1).
Genomic context (GRCh38, chr19:35,730,828, plus strand): 5'-ATTCTGGAGTATCGGCCATGGGGGCCGAGGGAAGAGCCAGCTCACCTGGAGGCTGCAGAG[G>A]AGAACCAGACCATTGTGCACAGCCCCGCCCCTTCCTCAGGTGTGGCTTTGGCTCTGTCTT-3'
Protein context (NP_055542.1, residues 1790-1810): EEPAHLEAAE[Glu1800Lys]NQTIVHSPAP

ClinVar aggregate classification (germline): Uncertain significance (1 of 4 stars; one submission).

Submission:

GeneDx
Classification: Uncertain significance. Last evaluated: 2024-05-29. Review status: criteria provided, single submitter. Criteria: GeneDx Variant Classification Process June 2021. Collection method: clinical testing. Allele origin: germline. Affected: yes.
Comment: Not observed at significant frequency in large population cohorts (gnomAD); In silico analysis supports that this missense variant has a deleterious effect on protein structure/function; Has not been previously published as pathogenic or benign to our knowledge